The following is an entry in ClinVar:

NM_201384.3(PLEC):c.11824G>A (p.Ala3942Thr)

Gene: PLEC (plectin; minus strand). Cytogenetic location: 8q24.3.
Variant type: single nucleotide variant.
Coding change: c.11824G>A on transcript NM_201384.3 (MANE Select); coding-DNA position 11824, G replaced by A.
Protein change: p.Ala3942Thr; replaces alanine 3942 with threonine.
Molecular consequence: missense variant.
Genome position (GRCh38, 1-based): chr8:143,917,997, C>T on the plus strand (G>A on the coding strand, the complement: PLEC is on the minus strand). VCF-style: chr8-143917997-C-T. GRCh37 (hg19) VCF-style: chr8-144992165-C-T.
Other names: c.11905G>A, p.Ala3969Thr (NM_000445.5); c.11782G>A, p.Ala3928Thr (NM_201378.4); c.11758G>A, p.Ala3920Thr (NM_201379.3); c.12235G>A, p.Ala4079Thr (NM_201380.4); c.11728G>A, p.Ala3910Thr (NM_201381.3); c.11824G>A, p.Ala3942Thr (NM_201382.4); c.11836G>A, p.Ala3946Thr (NM_201383.3); c.11905G>A (NM_000445.3); short protein forms A3946T, A3969T, A3910T, A3920T, A3928T, A3942T, A4079T.
Identifiers: ClinVar variation 283224 (VCV000283224.18), dbSNP rs370908106, ClinGen allele CA4924239.

ClinVar aggregate classification (germline): Uncertain significance. Review status: criteria provided, multiple submitters, no conflicts (2 of 4 stars). 5 submissions from 5 submitters: Uncertain significance (5). Last evaluated 2026-07-21.

Conditions:
PLEC-related disorder. Also called: PLEC-related condition; PLEC-related disorders.
Epidermolysis bullosa simplex 5C, with pyloric atresia (EBS5C). Also called: PLEC-Related Epidermolysis Bullosa with Pyloric Atresia; Epidermolysis bullosa simplex with pyloric atresia; PLEC1-Related Epidermolysis Bullosa with Pyloric Atresia. Identifiers: Orphanet 158684, MedGen C2677349, MONDO:0012807, OMIM 612138.
Epidermolysis bullosa simplex with nail dystrophy (EBS5D). Identifiers: MedGen C4225309, MONDO:0014661, OMIM 616487.
Autosomal recessive limb-girdle muscular dystrophy type 2Q (LGMDR17). Also called: MUSCULAR DYSTROPHY, LIMB-GIRDLE, AUTOSOMAL RECESSIVE 17. Identifiers: Orphanet 254361, MedGen C3150989, MONDO:0013390, OMIM 613723.
Epidermolysis bullosa simplex, Ogna type (EBS5A). Also called: Pidermolysis bullosa simplex 5A, Ogna type; EPIDERMOLYSIS BULLOSA SIMPLEX 5A, OGNA TYPE. Identifiers: Orphanet 79401, MedGen C0432317, MONDO:0007555, OMIM 131950.
Epidermolysis bullosa simplex 5B, with muscular dystrophy (EBS5B). Also called: EPIDERMOLYSIS BULLOSA SIMPLEX AND LIMB-GIRDLE MUSCULAR DYSTROPHY; Epidermolysis bullosa simplex with muscular dystrophy. Identifiers: Orphanet 257, MedGen C2931072, MONDO:0009181, OMIM 226670.
Inborn genetic diseases. Identifiers: MedGen C0950123, MeSH D030342.

Allele frequency attached by ClinVar (database versions not stated): TOPMed 0.00004; ESP Exome Variant Server 0.00008; gnomAD 0.00001; ExAC 0.00004.
gnomAD v4.1: 150 of 1,612,326 alleles (0.0093%); highest among the groups gnomAD compares: Non-Finnish European, 0.012%; no homozygotes.

Submissions (5):

PreventionGenetics, part of Exact Sciences
Classification: Uncertain significance for PLEC-related condition. Last evaluated: 2026-07-21. Review status: criteria provided, single submitter. Criteria: ACMG Guidelines, 2015. Collection method: clinical testing. Allele origin: germline.
Comment: The PLEC c.11905G>A variant is predicted to result in the amino acid substitution p.Ala3969Thr. To our knowledge, this variant has not been reported in the literature. This variant is reported in 0.0056% of alleles in individuals of East Asian descent in gnomAD. At this time, the clinical significance of this variant is uncertain due to the absence of conclusive functional and genetic evidence.

Ambry Genetics
Classification: Uncertain significance for Inborn genetic diseases. Last evaluated: 2026-02-25. Review status: criteria provided, single submitter. Criteria: Ambry Variant Classification Scheme 2023. Collection method: clinical testing. Allele origin: germline.
Comment: The c.11905G>A (p.A3969T) alteration is located in exon 33 (coding exon 32) of the PLEC gene. This alteration results from a G to A substitution at nucleotide position 11905, causing the alanine (A) at amino acid position 3969 to be replaced by a threonine (T). Based on data from gnomAD, the A allele has an overall frequency of 0.003% (8/246654) total alleles studied. The highest observed frequency was 0.006% (1/17902) of East Asian alleles. Based on insufficient or conflicting evidence, the clinical significance of this alteration remains unclear.

Labcorp Genetics (formerly Invitae), Labcorp
Classification: Uncertain significance for Autosomal recessive limb-girdle muscular dystrophy type 2Q; Epidermolysis bullosa simplex, Ogna type; Epidermolysis bullosa simplex with nail dystrophy; Epidermolysis bullosa simplex 5C, with pyloric atresia; Epidermolysis bullosa simplex 5B, with muscular dystrophy. Last evaluated: 2026-01-04. Review status: criteria provided, single submitter. Criteria: Invitae Variant Classification Sherloc (09022015). Collection method: clinical testing. Allele origin: germline.
Comment: This sequence change replaces alanine, which is neutral and non-polar, with threonine, which is neutral and polar, at codon 3969 of the PLEC protein (p.Ala3969Thr). This variant is present in population databases (rs370908106, gnomAD 0.006%). This variant has not been reported in the literature in individuals affected with PLEC-related conditions. ClinVar contains an entry for this variant (Variation ID: 283224). Invitae Evidence Modeling of protein sequence and biophysical properties (such as structural, functional, and spatial information, amino acid conservation, physicochemical variation, residue mobility, and thermodynamic stability) indicates that this missense variant is not expected to disrupt PLEC protein function with a negative predictive value of 80%. In summary, the available evidence is currently insufficient to determine the role of this variant in disease. Therefore, it has been classified as a Variant of Uncertain Significance.

Revvity Omics, Revvity
Classification: Uncertain significance. Last evaluated: 2020-08-17. Review status: criteria provided, single submitter. Criteria: ACMG Guidelines, 2015. Collection method: clinical testing. Allele origin: germline.

Eurofins Ntd Llc (ga)
Classification: Uncertain significance. Last evaluated: 2016-11-06. Review status: criteria provided, single submitter. Criteria: EGL Classification Definitions 2015. Collection method: clinical testing. Allele origin: germline. Observed: 2 variant alleles, 2 heterozygotes.